The following is an entry in ClinVar:

NM_033131.4(WNT3A):c.284T>A (p.Leu95Gln)

Gene: WNT3A (Wnt family member 3A; plus strand). Cytogenetic location: 1q42.13.
Variant type: single nucleotide variant.
Coding change: c.284T>A on transcript NM_033131.4 (MANE Select); coding-DNA position 284, T replaced by A.
Protein change: p.Leu95Gln; replaces leucine 95 with glutamine.
Molecular consequence: missense variant.
Genome position (GRCh38, 1-based): chr1:228,022,879, T>A. VCF-style: chr1-228022879-T-A. GRCh37 (hg19) VCF-style: chr1-228210580-T-A.
Other names: c.284T>A (NM_033131.3); short protein forms L95Q.
Identifiers: ClinVar variation 2956304 (VCV002956304.4), dbSNP rs760328956, ClinGen allele CA1429401.
Genomic context (GRCh38, chr1:228,022,879, plus strand): 5'-AGGAGTGCCAGCACCAGTTCCGCGGCCGCCGGTGGAACTGCACCACCGTCCACGACAGCC[T>A]GGCCATCTTCGGGCCCGTGCTGGACAAAGGTATGGGGGTGGTCTGGGGGAGGGCAGATGA-3'
Protein context (NP_149122.1, residues 85-105): RWNCTTVHDS[Leu95Gln]AIFGPVLDKA

ClinVar aggregate classification (germline): Uncertain significance. Review status: criteria provided, multiple submitters, no conflicts (2 of 4 stars). 2 submissions from 2 submitters: Uncertain significance (2). Last evaluated 2025-06-07.

Allele frequency attached by ClinVar (database versions not stated): gnomAD exomes below 0.00001; ExAC 0.00001.
gnomAD v4.1: 6 of 1,612,266 alleles (0.00037%); highest among the groups gnomAD compares: Admixed American, 0.0017%; no homozygotes.

Submissions (2):

Ambry Genetics
Classification: Uncertain significance. Last evaluated: 2025-06-07. Review status: criteria provided, single submitter. Criteria: Ambry Variant Classification Scheme 2023. Collection method: clinical testing. Allele origin: germline.

Labcorp Genetics (formerly Invitae), Labcorp
Classification: Uncertain significance. Last evaluated: 2023-12-30. Review status: criteria provided, single submitter. Criteria: Invitae Variant Classification Sherloc (09022015). Collection method: clinical testing. Allele origin: germline.
Comment: This sequence change replaces leucine, which is neutral and non-polar, with glutamine, which is neutral and polar, at codon 95 of the WNT3A protein (p.Leu95Gln). This variant is present in population databases (rs760328956, gnomAD 0.003%). This variant has not been reported in the literature in individuals affected with WNT3A-related conditions. An algorithm developed to predict the effect of missense changes on protein structure and function (PolyPhen-2) suggests that this variant is likely to be tolerated. In summary, the available evidence is currently insufficient to determine the role of this variant in disease. Therefore, it has been classified as a Variant of Uncertain Significance.